The following is an entry in ClinVar:

ClinVar aggregate classification (germline): Pathogenic. Review status: reviewed by expert panel (3 of 4 stars). 7 submissions from 7 submitters: Pathogenic (1). 6 of the submissions do not count toward it. Last evaluated 2023-12-30.

Conditions:
Phenylketonuria (PKU). Also called: Phenylketonurias; OLIGOPHRENIA PHENYLPYRUVICA; FOLLING DISEASE; Phenylketonuria (PKU). Identifiers: Orphanet 716, MedGen C0031485, MONDO:0009861, OMIM 261600. Disease mechanism: loss of function.

Submissions (7):

ClinGen PAH Variant Curation Expert Panel
Classification: Pathogenic for Phenylketonuria. Last evaluated: 2023-12-30. Review status: reviewed by expert panel. Criteria: ClinGen PAH ACMG Specifications v1. Collection method: curation. Allele origin: germline. Inheritance: Autosomal recessive inheritance.
Comment: The NM_000277.1(PAH):c.929C>T (p.Ser310Phe) variant is a missense variant in exon 9/13 of PAH. The variant has been found to result in <1% of wild-type PAH enzyme activity in a standard cDNA and an Intinc system (PMID: 18590700) (PS3_supporting). It has been found in at least 8 PKU patients, including among those whom BH4 deficiency was excluding and in trans with other Pathogenic or Likely Pathogenic alleles (PM3_VeryStrong (4.75 points); PP4_Moderate). It has been found in 2 alleles in a survey of German PKU patients (PMID: 12655553); It has been found in two Chinese patients with classic PKU and BH4 deficiency excluded via analysis of urinary pterins and dihydropteridine reductase activity in erythrocytes: one harbored it in trans with the p.R111* variant (Pathogenic in ClinVar and by ClinGen PAH VCEP) and one in trans with the p.Y356* variant (Pathogenic in ClinVar and by ClinGen PAH VCEP) (PMID: 30050108). BH4 deficiency was excluded (PMID: 25894915). It has been reported in trans with c.1066-3C>T (Pathogenic/Likely Pathogenic in ClinVar and by ClinGen PAH VCEP)in a PKU patient (PMID: 23430918). The variant is absent from ethnically diverse control databases, including gnomAD/ExAC, 1000 Genomes, and ESP (PM2_supporting). The variant is predicted damaging by multiple in-silico missense predictors, including REVEL (REVEL score 0.993) (PP3). Classification: Pathogenic Supporting Criteria: PS3_supporting; PM2_supporting; PM3_VeryStrong; PP4_Moderate; PP3

Baylor Genetics
Classification: Pathogenic for Phenylketonuria. Last evaluated: 2023-10-28. Review status: criteria provided, single submitter. Criteria: ACMG Guidelines, 2015. Collection method: clinical testing. Allele origin: unknown. Not counted in ClinVar's aggregate classification.

Institute of Human Genetics, University of Leipzig Medical Center
Classification: Likely pathogenic for Phenylketonuria. Last evaluated: 2020-03-01. Review status: criteria provided, single submitter. Criteria: ACMG Guidelines, 2015. Collection method: clinical testing. Allele origin: biparental. Inheritance: Autosomal recessive inheritance. Affected: yes. Not counted in ClinVar's aggregate classification.
Comment: Review of the variants reported in Reuter et al., 2017, PMID: 28097321: PM2,PM5,PM3_Strong,PP3

Labcorp Genetics (formerly Invitae), Labcorp
Classification: Pathogenic for Phenylketonuria. Last evaluated: 2018-07-16. Review status: criteria provided, single submitter. Criteria: Invitae Variant Classification Sherloc (09022015). Collection method: clinical testing. Allele origin: germline. Not counted in ClinVar's aggregate classification.
Comment: For these reasons, this variant has been classified as Pathogenic. Algorithms developed to predict the effect of missense changes on protein structure and function (SIFT, PolyPhen-2, Align-GVGD) all suggest that this variant is likely to be disruptive, but these predictions have not been confirmed by published functional studies and their clinical significance is uncertain. This variant has been reported in individuals affected with phenylketonuria or mild hyperphenylalaninemia either as homozygous or in combination with other PAH variants in many of the other cases (PMID: 15503242, 23856132, 12655553, 19915519, 26503515, 23932990). ClinVar contains an entry for this variant (Variation ID: 102899). This variant is not present in population databases (ExAC no frequency). This sequence change replaces serine with phenylalanine at codon 310 of the PAH protein (p.Ser310Phe). The serine residue is highly conserved and there is a large physicochemical difference between serine and phenylalanine.

Juno Genomics, Hangzhou Juno Genomics, Inc
Classification: Pathogenic for Phenylketonuria. Review status: criteria provided, single submitter. Criteria: ACMG Guidelines, 2015. Collection method: clinical testing. Allele origin: germline. Not counted in ClinVar's aggregate classification.
Comment: Absent from controls (or at extremely low frequency if recessive) in Genome Aggregation Database.;Multiple lines of computational evidence support a deleterious effect on the gene or gene product.;For recessive disorders, detected in trans with a pathogenic variant.;Patient's phenotype or family history is highly specific for a disease with a single genetic etiology.

Natera, Inc.
Classification: Pathogenic for Phenylketonuria. Last evaluated: 2020-09-16. Review status: no assertion criteria provided. Collection method: clinical testing. Allele origin: germline. Not counted in ClinVar's aggregate classification.

DeBelle Laboratory for Biochemical Genetics, MUHC/MCH RESEARCH INSTITUTE
No classification provided. Review status: no classification provided. Collection method: not provided. Allele origin: not provided. Not counted in ClinVar's aggregate classification.

Literature cited by the submitters: PubMed 25894915 (cited by ClinGen PAH Variant Curation Expert Panel); PubMed 15503242 (cited by ClinGen PAH Variant Curation Expert Panel and Labcorp Genetics (formerly Invitae), Labcorp); PubMed 23856132 (cited by Labcorp Genetics (formerly Invitae), Labcorp); PubMed 12655553 (cited by Labcorp Genetics (formerly Invitae), Labcorp); PubMed 19915519 (cited by Labcorp Genetics (formerly Invitae), Labcorp); PubMed 26503515 (cited by Labcorp Genetics (formerly Invitae), Labcorp); PubMed 23932990 (cited by Labcorp Genetics (formerly Invitae), Labcorp).

NM_000277.3(PAH):c.929C>T (p.Ser310Phe)

Gene: PAH (phenylalanine hydroxylase; minus strand). Cytogenetic location: 12q23.2.
Variant type: single nucleotide variant.
Coding change: c.929C>T on transcript NM_000277.3 (MANE Select); coding-DNA position 929, C replaced by T.
Protein change: p.Ser310Phe; replaces serine 310 with phenylalanine.
Molecular consequence: missense variant.
Genome position (GRCh38, 1-based): chr12:102,846,935, G>A on the plus strand (C>T on the coding strand, the complement: PAH is on the minus strand). VCF-style: chr12-102846935-G-A. GRCh37 (hg19) VCF-style: chr12-103240713-G-A.
Other names: NM_000277.1(PAH):c.929C>T; c.929C>T, p.Ser310Phe (NM_001354304.2); short protein forms S310F.
Identifiers: ClinVar variation 102899 (VCV000102899.14), dbSNP rs62642913, ClinGen allele CA229855.